The following is an entry in ClinVar:

ClinVar aggregate classification (germline): Uncertain significance (1 of 4 stars; one submission).

gnomAD v4.1: 1 of 1,528,504 alleles (0.000065%); highest among the groups gnomAD compares: Non-Finnish European, 0.000088%; no homozygotes.

Submission:

Ambry Genetics
Classification: Uncertain significance. Last evaluated: 2025-01-03. Review status: criteria provided, single submitter. Criteria: Ambry Variant Classification Scheme 2023. Collection method: clinical testing. Allele origin: germline.
Comment: The p.P727S variant (also known as c.2179C>T), located in coding exon 9 of the WNK2 gene, results from a C to T substitution at nucleotide position 2179. The proline at codon 727 is replaced by serine, an amino acid with similar properties. This amino acid position is conserved. In addition, this alteration is predicted to be tolerated by in silico analysis. Based on the available evidence, the clinical significance of this variant remains unclear.

NM_006648.4(WNK2):c.2179C>T (p.Pro727Ser)

Gene: WNK2 (WNK lysine deficient protein kinase 2; plus strand). Cytogenetic location: 9q22.31.
Variant type: single nucleotide variant.
Coding change: c.2179C>T on transcript NM_006648.4 (MANE Select); coding-DNA position 2179, C replaced by T.
Protein change: p.Pro727Ser; replaces proline 727 with serine.
Molecular consequence: missense variant.
Genome position (GRCh38, 1-based): chr9:93,256,443, C>T. VCF-style: chr9-93256443-C-T. GRCh37 (hg19) VCF-style: chr9-96018725-C-T.
Other names: c.2179C>T, p.Pro727Ser (NM_001282394.3); short protein forms P727S.
Identifiers: ClinVar variation 3816707 (VCV003816707.1).